The following is an entry in ClinVar:

ClinVar aggregate classification (germline): Likely pathogenic (1 of 4 stars; one submission).

Submission:

Mayo Clinic Laboratories, Mayo Clinic
Classification: Likely pathogenic. Last evaluated: 2025-04-23. Review status: criteria provided, single submitter. Criteria: ACMG Guidelines, 2015. Collection method: clinical testing. Allele origin: germline. Observed: 1 variant allele.
Comment: PM2_supporting, PVS1

NM_000090.4(COL3A1):c.3328G>T (p.Gly1110Ter)

Gene: COL3A1 (collagen type III alpha 1 chain; plus strand). Cytogenetic location: 2q32.2.
Variant type: single nucleotide variant.
Coding change: c.3328G>T on transcript NM_000090.4 (MANE Select); coding-DNA position 3328, G replaced by T.
Protein change: p.Gly1110Ter; replaces glycine 1110 with a stop codon.
Molecular consequence: nonsense.
Genome position (GRCh38, 1-based): chr2:189,007,572, G>T. VCF-style: chr2-189007572-G-T. GRCh37 (hg19) VCF-style: chr2-189872298-G-T.
Other names: p.Gly1110*; short protein forms G1110*.
Identifiers: ClinVar variation 4540782 (VCV004540782.1).